The following is an entry in ClinVar:

ClinVar aggregate classification (germline): Benign/Likely benign. Review status: criteria provided, multiple submitters, no conflicts (2 of 4 stars). 3 submissions from 3 submitters: Benign (1); Likely benign (1). 1 of the submissions does not count toward it. Last evaluated 2025-12-03.

Conditions:
KMT2A-related disorder. Also called: KMT2A-related condition.

Allele frequency attached by ClinVar (database versions not stated): TOPMed 0.00004; gnomAD exomes 0.00008; ExAC 0.00010; ESP Exome Variant Server 0.00031; gnomAD 0.00001 and 0.00002.
gnomAD v4.1: 95 of 1,614,058 alleles (0.0059%); highest among the groups gnomAD compares: Middle Eastern, 0.016%; 1 homozygote.

Submissions (3):

Labcorp Genetics (formerly Invitae), Labcorp
Classification: Benign. Last evaluated: 2025-12-03. Review status: criteria provided, single submitter. Criteria: Invitae Variant Classification Sherloc (09022015). Collection method: clinical testing. Allele origin: germline.

CeGaT Center for Human Genetics Tuebingen
Classification: Likely benign. Last evaluated: 2023-02-01. Review status: criteria provided, single submitter. Criteria: CeGaT Center For Human Genetics Tuebingen Variant Classification Criteria Version 2. Collection method: clinical testing. Allele origin: germline. Affected: yes. Observed: 2 variant alleles.
Comment: KMT2A: BP4, BP7

PreventionGenetics, part of Exact Sciences
Classification: Likely benign for KMT2A-related condition. Last evaluated: 2019-07-17. Review status: no assertion criteria provided. Collection method: clinical testing. Allele origin: germline. Not counted in ClinVar's aggregate classification.
Comment: This variant is classified as likely benign based on ACMG/AMP sequence variant interpretation guidelines (Richards et al. 2015 PMID: 25741868, with internal and published modifications).

NM_001197104.2(KMT2A):c.2004T>G (p.Ser668=)

Gene: KMT2A (lysine methyltransferase 2A; plus strand). Cytogenetic location: 11q23.3.
Variant type: single nucleotide variant.
Coding change: c.2004T>G on transcript NM_001197104.2 (MANE Select); coding-DNA position 2004, T replaced by G.
Protein change: p.Ser668=; no amino-acid change (serine 668 retained).
Molecular consequence: synonymous variant.
Genome position (GRCh38, 1-based): chr11:118,473,163, T>G. VCF-style: chr11-118473163-T-G. GRCh37 (hg19) VCF-style: chr11-118343878-T-G.
Other names: c.2004T>G, p.Ser668= (NM_005933.4); c.2004T>G (NM_001197104.1).
Identifiers: ClinVar variation 374545 (VCV000374545.49), dbSNP rs147102502, ClinGen allele CA6303468.